The following is an entry in ClinVar:

NM_003079.5(SMARCE1):c.647G>A (p.Arg216Gln)

Gene: SMARCE1 (SWI/SNF related BAF chromatin remodeling complex subunit E1; minus strand). Cytogenetic location: 17q21.2.
Variant type: single nucleotide variant.
Coding change: c.647G>A on transcript NM_003079.5 (MANE Select); coding-DNA position 647, G replaced by A.
Protein change: p.Arg216Gln; replaces arginine 216 with glutamine.
Molecular consequence: missense variant.
Genome position (GRCh38, 1-based): chr17:40,632,262, C>T on the plus strand (G>A on the coding strand, the complement: SMARCE1 is on the minus strand). VCF-style: chr17-40632262-C-T. GRCh37 (hg19) VCF-style: chr17-38788514-C-T.
Other names: short protein forms R216Q.
Identifiers: ClinVar variation 938872 (VCV000938872.10), dbSNP rs1213211505, ClinGen allele CA399364677.

ClinVar aggregate classification (germline): Uncertain significance. Review status: criteria provided, multiple submitters, no conflicts (2 of 4 stars). 2 submissions from 2 submitters: Uncertain significance (2). Last evaluated 2024-06-04.

Conditions:
Hereditary cancer-predisposing syndrome. Also called: Hereditary neoplastic syndrome; Neoplastic Syndromes, Hereditary; Tumor predisposition; Hereditary Cancer Syndrome. Identifiers: Orphanet 140162, MedGen C0027672, MeSH D009386, MONDO:0015356.
Familial meningioma. Also called: Meningioma, familial, susceptibility to. Identifiers: Orphanet 263662, MedGen C3551915, MONDO:0011789, OMIM 607174.

Allele frequency attached by ClinVar (database versions not stated): TOPMed below 0.00001; gnomAD 0.00001.
gnomAD v4.1: 1 of 1,613,756 alleles (0.000062%); highest among the groups gnomAD compares: Non-Finnish European, 0.000085%; no homozygotes.

Submissions (2):

Ambry Genetics
Classification: Uncertain significance for Hereditary cancer-predisposing syndrome. Last evaluated: 2024-06-04. Review status: criteria provided, single submitter. Criteria: Ambry Variant Classification Scheme 2023. Collection method: clinical testing. Allele origin: germline.
Comment: The p.R216Q variant (also known as c.647G>A), located in coding exon 7 of the SMARCE1 gene, results from a G to A substitution at nucleotide position 647. The arginine at codon 216 is replaced by glutamine, an amino acid with highly similar properties. This amino acid position is conserved. In addition, the in silico prediction for this alteration is inconclusive. Based on the available evidence, the clinical significance of this variant remains unclear.

Labcorp Genetics (formerly Invitae), Labcorp
Classification: Uncertain significance for Familial meningioma. Last evaluated: 2024-05-06. Review status: criteria provided, single submitter. Criteria: Invitae Variant Classification Sherloc (09022015). Collection method: clinical testing. Allele origin: germline.
Comment: This sequence change replaces arginine, which is basic and polar, with glutamine, which is neutral and polar, at codon 216 of the SMARCE1 protein (p.Arg216Gln). This variant is present in population databases (no rsID available, gnomAD 0.007%). This variant has not been reported in the literature in individuals affected with SMARCE1-related conditions. ClinVar contains an entry for this variant (Variation ID: 938872). Advanced modeling of protein sequence and biophysical properties (such as structural, functional, and spatial information, amino acid conservation, physicochemical variation, residue mobility, and thermodynamic stability) performed at Invitae indicates that this missense variant is not expected to disrupt SMARCE1 protein function with a negative predictive value of 80%. In summary, the available evidence is currently insufficient to determine the role of this variant in disease. Therefore, it has been classified as a Variant of Uncertain Significance.